The following is an entry in ClinVar:

ClinVar aggregate classification (germline): Uncertain significance (1 of 4 stars; one submission).

Conditions:
Primary ciliary dyskinesia. Also called: Ciliary dyskinesia. Identifiers: Orphanet 244, MedGen C0008780, MONDO:0016575, HP:0012265.

Submission:

Labcorp Genetics (formerly Invitae), Labcorp
Classification: Uncertain significance for Primary ciliary dyskinesia. Last evaluated: 2017-01-23. Review status: criteria provided, single submitter. Criteria: Invitae Variant Classification Sherloc (09022015). Collection method: clinical testing. Allele origin: germline.
Comment: In summary, the exact genomic location of this variant is unknown and the impact of this copy number gain on CCDC39 protein function has not been established. Therefore, it has been classified as a Variant of Uncertain Significance. Similar copy number gains have not been reported in the literature in individuals with a CCDC39-related disease. This copy number variant is a gain (4 copies) of the genomic region encompassing exon 3 of the CCDC39 gene. It is not known whether this is the result of a triplication on one allele or duplication on both alleles. While the exact position of the duplicated exons cannot be determined from this data, the duplicated copy of this region is likely in tandem and in-frame, therefore preserving the integrity of the reading frame.

NC_000003.11:g.(?_180379629)_(180379815_?)dup

Gene: CCDC39 (coiled-coil domain 39 molecular ruler complex subunit; minus strand). Cytogenetic location: 3q26.33.
Variant type: Duplication.
Identifiers: ClinVar variation 454499 (VCV000454499.15).